The following is an entry in ClinVar:

NM_001183.6(ATP6AP1):c.923+15C>G

Gene: ATP6AP1 (ATPase H+ transporting accessory protein 1; plus strand). Cytogenetic location: Xq28.
Variant type: single nucleotide variant.
Coding change: c.923+15C>G on transcript NM_001183.6 (MANE Select); 15 bases into the intron after coding-DNA position 923, C replaced by G.
Molecular consequence: intron variant.
Genome position (GRCh38, 1-based): chrX:154,434,461, C>G. VCF-style: chrX-154434461-C-G. GRCh37 (hg19) VCF-style: chrX-153662807-C-G.
Identifiers: ClinVar variation 2973517 (VCV002973517.3), dbSNP rs2068709382, ClinGen allele CA1138581175.

ClinVar aggregate classification (germline): Uncertain significance (1 of 4 stars; one submission).

Allele frequency attached by ClinVar (database versions not stated): gnomAD exomes below 0.00001; gnomAD 0.00001; TOPMed 0.00001.
gnomAD v4.1: 6 of 1,193,065 alleles (0.0005%); highest among the groups gnomAD compares: Non-Finnish European, 0.00068%; no homozygotes.

Submission:

Labcorp Genetics (formerly Invitae), Labcorp
Classification: Uncertain significance. Last evaluated: 2023-05-02. Review status: criteria provided, single submitter. Criteria: Invitae Variant Classification Sherloc (09022015). Collection method: clinical testing. Allele origin: germline.
Comment: In summary, the available evidence is currently insufficient to determine the role of this variant in disease. Therefore, it has been classified as a Variant of Uncertain Significance. Algorithms developed to predict the effect of sequence changes on RNA splicing suggest that this variant may disrupt the consensus splice site. This variant has not been reported in the literature in individuals affected with ATP6AP1-related conditions. This variant is not present in population databases (gnomAD no frequency). This sequence change falls in intron 7 of the ATP6AP1 gene. It does not directly change the encoded amino acid sequence of the ATP6AP1 protein.